The following is an entry in ClinVar:

ClinVar aggregate classification (germline): Conflicting classifications of pathogenicity. Review status: criteria provided, conflicting classifications (1 of 4 stars). 2 submissions from 2 submitters: Likely pathogenic (1); Uncertain significance (1). Last evaluated 2026-04-15.

Submissions (2):

GeneDx
Classification: Likely pathogenic. Last evaluated: 2026-04-15. Review status: criteria provided, single submitter. Criteria: GeneDx Variant Classification Process June 2021. Collection method: clinical testing. Allele origin: germline.
Comment: Not observed at significant frequency in large population cohorts (gnomAD); In silico analysis supports that this missense variant has a deleterious effect on protein structure/function; Has not been previously published as pathogenic or benign to our knowledge

Labcorp Genetics (formerly Invitae), Labcorp
Classification: Uncertain significance. Last evaluated: 2024-06-22. Review status: criteria provided, single submitter. Criteria: Invitae Variant Classification Sherloc (09022015). Collection method: clinical testing. Allele origin: germline.
Comment: This sequence change replaces cysteine, which is neutral and slightly polar, with serine, which is neutral and polar, at codon 186 of the FN1 protein (p.Cys186Ser). This variant is not present in population databases (gnomAD no frequency). This variant has not been reported in the literature in individuals affected with FN1-related conditions. Advanced modeling of protein sequence and biophysical properties (such as structural, functional, and spatial information, amino acid conservation, physicochemical variation, residue mobility, and thermodynamic stability) performed at Invitae indicates that this missense variant is expected to disrupt FN1 protein function with a positive predictive value of 80%. In summary, the available evidence is currently insufficient to determine the role of this variant in disease. Therefore, it has been classified as a Variant of Uncertain Significance.

NM_212482.4(FN1):c.556T>A (p.Cys186Ser)

Gene: FN1 (fibronectin 1; minus strand). Cytogenetic location: 2q35.
Variant type: single nucleotide variant.
Coding change: c.556T>A on transcript NM_212482.4 (MANE Select); coding-DNA position 556, T replaced by A.
Protein change: p.Cys186Ser; replaces cysteine 186 with serine.
Molecular consequence: missense variant.
Genome position (GRCh38, 1-based): chr2:215,430,844, A>T on the plus strand (T>A on the coding strand, the complement: FN1 is on the minus strand). VCF-style: chr2-215430844-A-T. GRCh37 (hg19) VCF-style: chr2-216295567-A-T.
Other names: c.556T>A, p.Cys186Ser (NM_001306129.2, NM_001306130.2, NM_001306131.2 and 14 more transcripts); c.556T>A (NM_212482.1); short protein forms C186S.
Identifiers: ClinVar variation 2782615 (VCV002782615.4), dbSNP rs2470509897, ClinGen allele CA350476065.